The following is an entry in ClinVar:

ClinVar aggregate classification (germline): Uncertain significance. Review status: criteria provided, multiple submitters, no conflicts (2 of 4 stars). 2 submissions from 2 submitters: Uncertain significance (2). Last evaluated 2023-08-17.

Conditions:
Hypertrophic cardiomyopathy. Also called: HYPERTROPHIC MYOCARDIOPATHY. Identifiers: Orphanet 217569, MedGen C0007194, MeSH D002312, MONDO:0005045, HP:0001639.

Submissions (2):

Labcorp Genetics (formerly Invitae), Labcorp
Classification: Uncertain significance for Hypertrophic cardiomyopathy. Last evaluated: 2023-08-17. Review status: criteria provided, single submitter. Criteria: Invitae Variant Classification Sherloc (09022015). Collection method: clinical testing. Allele origin: germline.
Comment: In summary, the available evidence is currently insufficient to determine the role of this variant in disease. Therefore, it has been classified as a Variant of Uncertain Significance. An algorithm developed to predict the effect of missense changes on protein structure and function (PolyPhen-2) suggests that this variant is likely to be tolerated. ClinVar contains an entry for this variant (Variation ID: 1491077). This variant has not been reported in the literature in individuals affected with MYBPC3-related conditions. This variant is not present in population databases (gnomAD no frequency). This sequence change replaces valine, which is neutral and non-polar, with glycine, which is neutral and non-polar, at codon 38 of the MYBPC3 protein (p.Val38Gly).

All of Us Research Program, National Institutes of Health
Classification: Uncertain significance for Hypertrophic cardiomyopathy. Last evaluated: 2023-05-04. Review status: criteria provided, single submitter. Criteria: ACMG Guidelines, 2015. Collection method: clinical testing. Allele origin: germline. Inheritance: Autosomal dominant inheritance. Observed: 1 variant allele, 1 heterozygote.
Comment: This missense variant replaces valine with glycine at codon 38 of the MYBPC3 protein. Computational prediction suggests that this variant may not impact protein structure and function (internally defined REVEL score threshold <= 0.5, PMID: 27666373). To our knowledge, functional studies have not been reported for this variant. This variant has not been reported in individuals affected with MYBPC3-related disorders in the literature. This variant has not been identified in the general population by the Genome Aggregation Database (gnomAD). The available evidence is insufficient to determine the role of this variant in disease conclusively. Therefore, this variant is classified as a Variant of Uncertain Significance.

This study involves interpretation of variants in research participants for the purpose of population health screening. Participant phenotype was not available at the time of variant classification. Additional details can be found in publication PMID: 35346344, PMCID: PMC8962531

NM_000256.3(MYBPC3):c.113T>G (p.Val38Gly)

Gene: MYBPC3 (myosin binding protein C3; minus strand). Cytogenetic location: 11p11.2.
Variant type: single nucleotide variant.
Coding change: c.113T>G on transcript NM_000256.3 (MANE Select); coding-DNA position 113, T replaced by G.
Protein change: p.Val38Gly; replaces valine 38 with glycine.
Molecular consequence: missense variant.
Genome position (GRCh38, 1-based): chr11:47,351,418, A>C on the plus strand (T>G on the coding strand, the complement: MYBPC3 is on the minus strand). VCF-style: chr11-47351418-A-C. GRCh37 (hg19) VCF-style: chr11-47372969-A-C.
Other names: short protein forms V38G.
Identifiers: ClinVar variation 1491077 (VCV001491077.7), dbSNP rs1595850711, ClinGen allele CA380341902.
Genomic context (GRCh38, chr11:47,351,418, plus strand): 5'-GCCAGGCCGTACTTGTTGCTGGCGCTGATGTCACTGCCTCCGCGCTGCCAGCGCACCTTC[A>C]CTCCTGCCCGCTCTGTCTCGGCCTCGAACACGGCAGGGCTGCCTGCGGCCACTTCCACTG-3'
Protein context (NP_000247.2, residues 28-48): VFEAETERAG[Val38Gly]KVRWQRGGSD